The following is an entry in ClinVar:

NM_144997.7(FLCN):c.619-1G>A

Gene: FLCN (folliculin; minus strand). Cytogenetic location: 17p11.2.
Variant type: single nucleotide variant.
Coding change: c.619-1G>A on transcript NM_144997.7 (MANE Select); the canonical splice acceptor site of the intron before coding-DNA position 619, G replaced by A.
Molecular consequence: splice acceptor variant.
Genome position (GRCh38, 1-based): chr17:17,222,662, C>T on the plus strand (G>A on the coding strand, the complement: FLCN is on the minus strand). VCF-style: chr17-17222662-C-T. GRCh37 (hg19) VCF-style: chr17-17125976-C-T.
Other names: c.619-1G>A (NM_001353231.2, NM_001353230.2, NM_144606.7); c.673-1G>A (NM_001353229.2).
Identifiers: ClinVar variation 428657 (VCV000428657.24), dbSNP rs1131690840, ClinGen allele CA398534160.

ClinVar aggregate classification (germline): Pathogenic. Review status: criteria provided, multiple submitters, no conflicts (2 of 4 stars). 8 submissions from 8 submitters: Pathogenic (6). 2 of the submissions do not count toward it. Last evaluated 2026-08-11.

Conditions:
Birt-Hogg-Dube syndrome. Also called: Birt Hogg Dubé syndrome. Identifiers: Orphanet 122, MedGen C0346010, MONDO:0800444.
FLCN-related disorders.
Hereditary cancer-predisposing syndrome. Also called: Hereditary Cancer Syndrome; Hereditary neoplastic syndrome; Neoplastic Syndromes, Hereditary; Tumor predisposition. Identifiers: Orphanet 140162, MedGen C0027672, MeSH D009386, MONDO:0015356.
Birt-Hogg-Dube syndrome 1 (BHD1). Also called: FIBROFOLLICULOMAS WITH TRICHODISCOMAS AND ACROCHORDONS. Identifiers: Orphanet 122, MedGen CN375946, MONDO:0800445, OMIM 135150.
FLCN-related disorder. Also called: FLCN-related condition.

Submissions (8):

Myriad Genetics, Inc.
Classification: Pathogenic for Birt-Hogg-Dube syndrome 1. Last evaluated: 2026-08-11. Review status: criteria provided, single submitter. Criteria: Myriad Autosomal Dominant, Autosomal Recessive and X-Linked Classification Criteria (2023). Collection method: clinical testing. Allele origin: unknown.
Comment: This variant is considered pathogenic. This variant occurs within a consensus splice junction and is predicted to result in abnormal mRNA splicing of either an out-of-frame exon or an in-frame exon necessary for protein stability and/or normal function. This variant has been reported in multiple individuals with clinical features of gene-specific disease [PMID: 38900222, 22146830, 39300538, 27652079].

Labcorp Genetics (formerly Invitae), Labcorp
Classification: Pathogenic for Birt-Hogg-Dube syndrome. Last evaluated: 2025-10-09. Review status: criteria provided, single submitter. Criteria: Invitae Variant Classification Sherloc (09022015). Collection method: clinical testing. Allele origin: germline.
Comment: This sequence change affects an acceptor splice site in intron 6 of the FLCN gene. RNA analysis indicates that disruption of this splice site induces altered splicing and may result in an absent or altered protein product. This variant is not present in population databases (gnomAD no frequency). Disruption of this splice site has been observed in individuals with Birt-Hogg-Dubé syndrome (PMID: 17611575, 27652079). ClinVar contains an entry for this variant (Variation ID: 428657). Studies have shown that disruption of this splice site results in multiple aberrant transcripts, and produces a non-functional protein and/or introduces a premature termination codon (internal data). For these reasons, this variant has been classified as Pathogenic.

Ambry Genetics
Classification: Pathogenic for Hereditary cancer-predisposing syndrome. Last evaluated: 2025-05-13. Review status: criteria provided, single submitter. Criteria: Ambry Variant Classification Scheme 2023. Collection method: clinical testing. Allele origin: germline.
Comment: The c.619-1G>A intronic pathogenic mutation results from a G to A substitution one nucleotide upstream from coding exon 4 of the FLCN gene. This alteration was previously identified in two unrelated families diagnosed with Birt-Hogg-Dube syndrome (Leter EM et al. J. Invest. Dermatol. 2008 Jan;128(1):45-9). Of note, this alteration is also known as c.1074-1G>A in published literature. This variant was reported in individuals with features consistent with Birt-Hogg-Dube syndrome (Ambry internal data). This nucleotide position is highly conserved in available vertebrate species. In silico splice site analysis predicts that this alteration will weaken the native splice acceptor site and will result in the creation or strengthening of a novel splice acceptor site. RNA studies have demonstrated that this alteration results in abnormal splicing in the set of samples tested (Ambry internal data). Alterations that disrupt the canonical splice site are expected to cause aberrant splicing, resulting in an abnormal protein or a transcript that is subject to nonsense-mediated mRNA decay. Based on the supporting evidence, this variant is interpreted as a disease-causing mutation.

PreventionGenetics, part of Exact Sciences
Classification: Pathogenic for FLCN-related condition. Last evaluated: 2025-01-29. Review status: criteria provided, single submitter. Criteria: ACMG Guidelines, 2015. Collection method: clinical testing. Allele origin: germline.
Comment: The FLCN c.619-1G>A variant is predicted to disrupt the AG splice acceptor site and interfere with normal splicing. This variant has been reported in individuals with Birt-Hogg-Dube syndrome (Table 1, Referred to as c.1074-1G>A, Leter et al. 2008. PubMed ID: 17611575; Tables S4 and S7, Hartman et al. 2020. PubMed ID: 32782288; Table 2, Houweling et al. 2011. PubMed ID: 22146830;  Table 2, Johannesma et al. 2016. PubMed ID: 27652079). This variant has not been reported in a large population database (gnomAD), indicating this variant is rare. This variant is interpreted as pathogenic in ClinVar. Variants that disrupt the consensus splice acceptor site in FLCN are expected to be pathogenic. This variant is interpreted as pathogenic.

Women's Health and Genetics/Laboratory Corporation of America, LabCorp
Classification: Pathogenic for Birt-Hogg-DubÃ© Syndrome. Last evaluated: 2020-04-09. Review status: criteria provided, single submitter. Criteria: LabCorp Variant Classification Summary - May 2015. Collection method: clinical testing. Allele origin: germline.
Comment: Variant summary: FLCN c.619-1G>A is located in a canonical splice-site and is predicted to affect mRNA splicing resulting in a significantly altered protein due to either exon skipping, shortening, or inclusion of intronic material. Several computational tools predict a significant impact on normal splicing: Four predict the variant weakens a 3'- acceptor site. However, these predictions have yet to be confirmed by functional studies. The variant was absent in 251398 control chromosomes. c.619-1G>A has been reported in the literature in multiple individuals affected with Birt-Hogg-Dube Syndrome (examples- Leter_2008, Houweling_2011). These data indicate that the variant is very likely to be associated with disease. To our knowledge, no experimental evidence demonstrating an impact on protein function has been reported. Two other clinical diagnostic laboratories have submitted clinical-significance assessments for this variant to ClinVar after 2014 without evidence for independent evaluation. Both laboratories cited the variant as pathogenic. Based on the evidence outlined above, the variant was classified as pathogenic.

Blueprint Genetics
Classification: Pathogenic for FLCN-related disorders. Last evaluated: 2018-10-14. Review status: criteria provided, single submitter. Criteria: ACMG Guidelines, 2015. Collection method: clinical testing. Allele origin: germline. Affected: yes. Observed: 1 variant allele.

Clinical Genetics DNA and cytogenetics Diagnostics Lab, Erasmus MC, Erasmus Medical Center
Classification: Pathogenic. Review status: no assertion criteria provided. Collection method: clinical testing. Allele origin: germline. Affected: yes. Study: VKGL Data-share Consensus. Not counted in ClinVar's aggregate classification.

Joint Genome Diagnostic Labs from Nijmegen and Maastricht, Radboudumc and MUMC+
Classification: Pathogenic. Review status: no assertion criteria provided. Collection method: clinical testing. Allele origin: germline. Affected: yes. Study: VKGL Data-share Consensus. Not counted in ClinVar's aggregate classification.

Literature cited by the submitters: PubMed 38900222 (cited by Myriad Genetics, Inc.); PubMed 22146830 (cited by Myriad Genetics, Inc. and Women's Health and Genetics/Laboratory Corporation of America, LabCorp); PubMed 39300538 (cited by Myriad Genetics, Inc.); PubMed 27652079 (cited by 3 submitters); PubMed 17611575 (cited by 3 submitters); PubMed 19802896 (cited by Women's Health and Genetics/Laboratory Corporation of America, LabCorp); PubMed 15956655 (cited by Women's Health and Genetics/Laboratory Corporation of America, LabCorp).